The following is an entry in ClinVar:

ClinVar aggregate classification (germline): Uncertain significance (1 of 4 stars; one submission).

Conditions:
Hereditary cancer-predisposing syndrome. Also called: Neoplastic Syndromes, Hereditary; Tumor predisposition; Hereditary neoplastic syndrome; Hereditary Cancer Syndrome. Identifiers: Orphanet 140162, MedGen C0027672, MeSH D009386, MONDO:0015356.

Submission:

Ambry Genetics
Classification: Uncertain significance for Hereditary cancer-predisposing syndrome. Last evaluated: 2024-02-11. Review status: criteria provided, single submitter. Criteria: Ambry Variant Classification Scheme 2023. Collection method: clinical testing. Allele origin: germline.
Comment: The p.T630R variant (also known as c.1889C>G), located in coding exon 19 of the RB1 gene, results from a C to G substitution at nucleotide position 1889. The threonine at codon 630 is replaced by arginine, an amino acid with similar properties. This amino acid position is conserved. In addition, this alteration is predicted to be tolerated by in silico analysis. Based on the available evidence, the clinical significance of this alteration remains unclear.

NM_000321.3(RB1):c.1889C>G (p.Thr630Arg)

Gene: RB1 (RB transcriptional corepressor 1; plus strand). Cytogenetic location: 13q14.2.
Variant type: single nucleotide variant.
Coding change: c.1889C>G on transcript NM_000321.3 (MANE Select); coding-DNA position 1889, C replaced by G.
Protein change: p.Thr630Arg; replaces threonine 630 with arginine.
Molecular consequence: missense variant.
Genome position (GRCh38, 1-based): chr13:48,456,278, C>G. VCF-style: chr13-48456278-C-G. GRCh37 (hg19) VCF-style: chr13-49030414-C-G.
Other names: c.1889C>G, p.Thr630Arg (NM_001407165.1); short protein forms T630R.
Identifiers: ClinVar variation 3231207 (VCV003231207.1), dbSNP rs1593532012, ClinGen allele CA388166008.